The following is an entry in ClinVar:

NM_014712.3(SETD1A):c.2104G>C (p.Ala702Pro)

Gene: SETD1A (SET domain containing 1A, histone lysine methyltransferase; plus strand). Cytogenetic location: 16p11.2.
Variant type: single nucleotide variant.
Coding change: c.2104G>C on transcript NM_014712.3 (MANE Select); coding-DNA position 2104, G replaced by C.
Protein change: p.Ala702Pro; replaces alanine 702 with proline.
Molecular consequence: missense variant.
Genome position (GRCh38, 1-based): chr16:30,965,985, G>C. VCF-style: chr16-30965985-G-C. GRCh37 (hg19) VCF-style: chr16-30977306-G-C.
Other names: c.2104G>C (NM_014712.1); short protein forms A702P.
Identifiers: ClinVar variation 3054928 (VCV003054928.3), dbSNP rs150802841, ClinGen allele CA8016841.

ClinVar aggregate classification (germline): Likely benign. Review status: criteria provided, single submitter (1 of 4 stars). 2 submissions from 2 submitters: Likely benign (1). 1 of the submissions does not count toward it. Last evaluated 2024-11-24.

Conditions:
SETD1A-related disorder. Also called: SETD1A-related condition.
Inborn genetic diseases. Identifiers: MedGen C0950123, MeSH D030342.

gnomAD v4.1: 46 of 1,580,618 alleles (0.0029%); highest among the groups gnomAD compares: African/African-American, 0.047%; no homozygotes.

Submissions (2):

Ambry Genetics
Classification: Likely benign for Inborn genetic diseases. Last evaluated: 2024-11-24. Review status: criteria provided, single submitter. Criteria: Ambry Variant Classification Scheme 2023. Collection method: clinical testing. Allele origin: germline.

PreventionGenetics, part of Exact Sciences
Classification: Likely benign for SETD1A-related condition. Last evaluated: 2023-02-28. Review status: no assertion criteria provided. Collection method: clinical testing. Allele origin: germline. Not counted in ClinVar's aggregate classification.
Comment: This variant is classified as likely benign based on ACMG/AMP sequence variant interpretation guidelines (Richards et al. 2015 PMID: 25741868, with internal and published modifications).